The following is an entry in ClinVar:

ClinVar aggregate classification (germline): Uncertain significance. Review status: criteria provided, multiple submitters, no conflicts (2 of 4 stars). 3 submissions from 3 submitters: Uncertain significance (3). Last evaluated 2024-08-17.

Conditions:
Familial meningioma. Also called: Meningioma, familial, susceptibility to. Identifiers: Orphanet 263662, MedGen C3551915, MONDO:0011789, OMIM 607174.
Hereditary cancer-predisposing syndrome. Also called: Neoplastic Syndromes, Hereditary; Tumor predisposition; Hereditary Cancer Syndrome; Hereditary neoplastic syndrome. Identifiers: Orphanet 140162, MedGen C0027672, MeSH D009386, MONDO:0015356.
Medulloblastoma (MDB). Also called: MEDULLOBLASTOMA PREDISPOSITION SYNDROME; Medulloblastoma, somatic. Identifiers: Orphanet 616, MedGen C0025149, MeSH D008527, MONDO:0007959, OMIM 155255, HP:0002885.
Gorlin syndrome. Also called: Nevoid Basal Cell Carcinoma Syndrome; Basal cell nevus syndrome. Identifiers: Orphanet 377, MedGen C0004779, MONDO:0007187.

Submissions (3):

Ambry Genetics
Classification: Uncertain significance for Hereditary cancer-predisposing syndrome. Last evaluated: 2024-08-17. Review status: criteria provided, single submitter. Criteria: Ambry Variant Classification Scheme 2023. Collection method: clinical testing. Allele origin: germline.
Comment: The p.H394D variant (also known as c.1180C>G), located in coding exon 10 of the SUFU gene, results from a C to G substitution at nucleotide position 1180. The histidine at codon 394 is replaced by aspartic acid, an amino acid with similar properties. This amino acid position is conserved. In addition, this alteration is predicted to be deleterious by in silico analysis. Based on the available evidence, the clinical significance of this variant remains unclear.

Baylor Genetics
Classification: Uncertain significance for Familial meningioma. Last evaluated: 2023-12-07. Review status: criteria provided, single submitter. Criteria: ACMG Guidelines, 2015. Collection method: clinical testing. Allele origin: unknown.

Labcorp Genetics (formerly Invitae), Labcorp
Classification: Uncertain significance for Gorlin syndrome; Medulloblastoma. Last evaluated: 2022-12-02. Review status: criteria provided, single submitter. Criteria: Invitae Variant Classification Sherloc (09022015). Collection method: clinical testing. Allele origin: germline.
Comment: In summary, the available evidence is currently insufficient to determine the role of this variant in disease. Therefore, it has been classified as a Variant of Uncertain Significance. Advanced modeling of protein sequence and biophysical properties (such as structural, functional, and spatial information, amino acid conservation, physicochemical variation, residue mobility, and thermodynamic stability) performed at Invitae indicates that this missense variant is expected to disrupt SUFU protein function. This variant has not been reported in the literature in individuals affected with SUFU-related conditions. This variant is not present in population databases (gnomAD no frequency). This sequence change replaces histidine, which is basic and polar, with aspartic acid, which is acidic and polar, at codon 394 of the SUFU protein (p.His394Asp).

NM_016169.4(SUFU):c.1180C>G (p.His394Asp)

Gene: SUFU (SUFU negative regulator of hedgehog signaling; plus strand). Cytogenetic location: 10q24.32.
Variant type: single nucleotide variant.
Coding change: c.1180C>G on transcript NM_016169.4 (MANE Select); coding-DNA position 1180, C replaced by G.
Protein change: p.His394Asp; replaces histidine 394 with aspartic acid.
Molecular consequence: missense variant.
Genome position (GRCh38, 1-based): chr10:102,617,312, C>G. VCF-style: chr10-102617312-C-G. GRCh37 (hg19) VCF-style: chr10-104377069-C-G.
Other names: c.1180C>G, p.His394Asp (NM_001178133.2); short protein forms H394D.
Identifiers: ClinVar variation 2928736 (VCV002928736.5), dbSNP rs2492789546, ClinGen allele CA377915175.